The following is an entry in ClinVar:

NM_001365276.2(TNXB):c.5625G>A (p.Pro1875=)

Gene: TNXB (tenascin XB; minus strand). Cytogenetic location: 6p21.33.
Variant type: single nucleotide variant.
Coding change: c.5625G>A on transcript NM_001365276.2 (MANE Select); coding-DNA position 5625, G replaced by A.
Protein change: p.Pro1875=; no amino-acid change (proline 1875 retained).
Molecular consequence: synonymous variant.
Genome position (GRCh38, 1-based): chr6:32,069,099, C>T on the plus strand (G>A on the coding strand, the complement: TNXB is on the minus strand). VCF-style: chr6-32069099-C-T. GRCh37 (hg19) VCF-style: chr6-32036876-C-T.
Other names: c.5625G>A, p.Pro1875= (NM_019105.8).
Identifiers: ClinVar variation 932468 (VCV000932468.45), dbSNP rs376314262, ClinGen allele CA3734642.

ClinVar aggregate classification (germline): Likely benign. Review status: criteria provided, multiple submitters, no conflicts (2 of 4 stars). 5 submissions from 5 submitters: Likely benign (5). Last evaluated 2026-01-19.

Conditions:
Cardiovascular phenotype. Identifiers: MedGen CN230736.

Allele frequency attached by ClinVar (database versions not stated): TOPMed 0.00005; ESP Exome Variant Server 0.00013.
gnomAD v4.1: 68 of 1,611,302 alleles (0.0042%); highest among the groups gnomAD compares: Non-Finnish European, 0.0033%; no homozygotes.

Submissions (5):

Labcorp Genetics (formerly Invitae), Labcorp
Classification: Likely benign. Last evaluated: 2026-01-19. Review status: criteria provided, single submitter. Criteria: Invitae Variant Classification Sherloc (09022015). Collection method: clinical testing. Allele origin: germline.

Women's Health and Genetics/Laboratory Corporation of America, LabCorp
Classification: Likely benign. Last evaluated: 2025-07-15. Review status: criteria provided, single submitter. Criteria: LabCorp Variant Classification Summary - May 2015. Collection method: clinical testing. Allele origin: germline.

CeGaT Center for Human Genetics Tuebingen
Classification: Likely benign. Last evaluated: 2024-08-01. Review status: criteria provided, single submitter. Criteria: CeGaT Center For Human Genetics Tuebingen Variant Classification Criteria Version 2. Collection method: clinical testing. Allele origin: germline. Affected: yes. Observed: 2 variant alleles.
Comment: TNXB: BP4, BP7

GeneDx
Classification: Likely benign. Last evaluated: 2021-01-19. Review status: criteria provided, single submitter. Criteria: GeneDx Variant Classification Process June 2021. Collection method: clinical testing. Allele origin: germline. Affected: yes.

Ambry Genetics
Classification: Likely benign for Cardiovascular phenotype. Last evaluated: 2019-03-19. Review status: criteria provided, single submitter. Criteria: Ambry Variant Classification Scheme 2023. Collection method: clinical testing. Allele origin: germline.